The following is an entry in ClinVar:

ClinVar aggregate classification (germline): Likely benign (0 of 4 stars; one submission).

Conditions:
DCAF4L2-related disorder. Also called: DCAF4L2-related condition.

gnomAD v4.1: 2 of 1,614,038 alleles (0.00012%); highest among the groups gnomAD compares: Non-Finnish European, 0.00017%; no homozygotes.

Submission:

PreventionGenetics, part of Exact Sciences
Classification: Likely benign for DCAF4L2-related condition. Last evaluated: 2019-02-25. Review status: no assertion criteria provided. Collection method: clinical testing. Allele origin: germline.
Comment: This variant is classified as likely benign based on ACMG/AMP sequence variant interpretation guidelines (Richards et al. 2015 PMID: 25741868, with internal and published modifications).

NM_152418.4(DCAF4L2):c.1008C>T (p.Cys336=)

Gene: DCAF4L2 (DDB1 and CUL4 associated factor 4 like 2; minus strand). Cytogenetic location: 8q21.3.
Variant type: single nucleotide variant.
Coding change: c.1008C>T on transcript NM_152418.4 (MANE Select); coding-DNA position 1008, C replaced by T.
Protein change: p.Cys336=; no amino-acid change (cysteine 336 retained).
Molecular consequence: synonymous variant.
Genome position (GRCh38, 1-based): chr8:87,872,964, G>A on the plus strand (C>T on the coding strand, the complement: DCAF4L2 is on the minus strand). VCF-style: chr8-87872964-G-A. GRCh37 (hg19) VCF-style: chr8-88885192-G-A.
Identifiers: ClinVar variation 3352979 (VCV003352979.1).